The following is an entry in ClinVar:

ClinVar aggregate classification (germline): Uncertain significance (1 of 4 stars; one submission).

Conditions:
Singleton-Merten syndrome 1 (SGMRT1). Also called: Widened medullary cavities of bone, aortic calcification, abnormal dentition, and muscular weakness; Syndrome of widened medullary cavities of the metacarpals and phalanges, aortic calcification and abnormal dentition. Identifiers: Orphanet 85191, MedGen C4225427, MONDO:0024535, OMIM 182250.
Aicardi-Goutieres syndrome 7 (AGS7). Identifiers: Orphanet 51, MedGen C3888244, MONDO:0014367, OMIM 615846.

Allele frequency attached by ClinVar (database versions not stated): gnomAD exomes below 0.00001.

Submission:

Labcorp Genetics (formerly Invitae), Labcorp
Classification: Uncertain significance for Aicardi-Goutieres syndrome 7; Singleton-Merten syndrome 1. Last evaluated: 2022-04-30. Review status: criteria provided, single submitter. Criteria: Invitae Variant Classification Sherloc (09022015). Collection method: clinical testing. Allele origin: germline.
Comment: This variant is present in population databases (no rsID available, gnomAD 0.006%). This variant has not been reported in the literature in individuals affected with IFIH1-related conditions. Algorithms developed to predict the effect of missense changes on protein structure and function (SIFT, PolyPhen-2, Align-GVGD) all suggest that this variant is likely to be tolerated. Algorithms developed to predict the effect of sequence changes on RNA splicing suggest that this variant may disrupt the consensus splice site. In summary, the available evidence is currently insufficient to determine the role of this variant in disease. Therefore, it has been classified as a Variant of Uncertain Significance. This sequence change replaces glycine, which is neutral and non-polar, with valine, which is neutral and non-polar, at codon 288 of the IFIH1 protein (p.Gly288Val).

NM_022168.4(IFIH1):c.863G>T (p.Gly288Val)

Gene: IFIH1 (interferon induced with helicase C domain 1; minus strand). Cytogenetic location: 2q24.2.
Variant type: single nucleotide variant.
Coding change: c.863G>T on transcript NM_022168.4 (MANE Select); coding-DNA position 863, G replaced by T.
Protein change: p.Gly288Val; replaces glycine 288 with valine.
Molecular consequence: missense variant.
Genome position (GRCh38, 1-based): chr2:162,293,575, C>A on the plus strand (G>T on the coding strand, the complement: IFIH1 is on the minus strand). VCF-style: chr2-162293575-C-A. GRCh37 (hg19) VCF-style: chr2-163150085-C-A.
Other names: short protein forms G288V.
Identifiers: ClinVar variation 1915245 (VCV001915245.5), dbSNP rs1470007255, ClinGen allele CA349005852.